The following is an entry in ClinVar:

NM_003482.4(KMT2D):c.3517A>G (p.Lys1173Glu)

Genes: KMT2D (lysine methyltransferase 2D; minus strand), LOC126861520 (CDK7 strongly-dependent group 2 enhancer GRCh37_chr12:49442744-49443943; plus strand). Cytogenetic location: 12q13.12.
Variant type: single nucleotide variant.
Coding change: c.3517A>G on transcript NM_003482.4 (MANE Select); coding-DNA position 3517, A replaced by G.
Protein change: p.Lys1173Glu; replaces lysine 1173 with glutamic acid.
Molecular consequence: missense variant.
Genome position (GRCh38, 1-based): chr12:49,050,071, T>C on the plus strand (A>G on the coding strand, the complement: KMT2D is on the minus strand). VCF-style: chr12-49050071-T-C. GRCh37 (hg19) VCF-style: chr12-49443854-T-C.
Other names: short protein forms K1173E.
Identifiers: ClinVar variation 3717380 (VCV003717380.4).

ClinVar aggregate classification (germline): Uncertain significance. Review status: criteria provided, multiple submitters, no conflicts (2 of 4 stars). 2 submissions from 2 submitters: Uncertain significance (2). Last evaluated 2025-08-21.

Conditions:
Kabuki syndrome. Also called: Kabuki make-up syndrome; NIIKAWA-KUROKI SYNDROME. Identifiers: Orphanet 2322, MedGen C0796004, MONDO:0016512.

gnomAD v4.1: 2 of 1,613,758 alleles (0.00012%); highest among the groups gnomAD compares: Non-Finnish European, 0.00017%; no homozygotes.

Submissions (2):

Dasa
Classification: Uncertain significance. Last evaluated: 2025-08-21. Review status: criteria provided, single submitter. Criteria: DASA Assertion Criteria. Collection method: clinical testing. Allele origin: germline.
Comment: NM_003482.4(KMT2D):c.3517A>G (p.Lys1173Glu) is a missense variant that results in the substitution of lysine with glutamic acid. This variant is rare in population databases. The currently available literature and clinical evidence are not sufficient to establish a definitive association between this variant and the reported condition. Therefore, this variant is classified as a variant of uncertain significance.

Labcorp Genetics (formerly Invitae), Labcorp
Classification: Uncertain significance for Kabuki syndrome. Last evaluated: 2024-03-09. Review status: criteria provided, single submitter. Criteria: Invitae Variant Classification Sherloc (09022015). Collection method: clinical testing. Allele origin: germline.
Comment: This sequence change replaces lysine, which is basic and polar, with glutamic acid, which is acidic and polar, at codon 1173 of the KMT2D protein (p.Lys1173Glu). This variant is not present in population databases (gnomAD no frequency). This variant has not been reported in the literature in individuals affected with KMT2D-related conditions. Advanced modeling of protein sequence and biophysical properties (such as structural, functional, and spatial information, amino acid conservation, physicochemical variation, residue mobility, and thermodynamic stability) performed at Invitae indicates that this missense variant is not expected to disrupt KMT2D protein function with a negative predictive value of 95%. In summary, the available evidence is currently insufficient to determine the role of this variant in disease. Therefore, it has been classified as a Variant of Uncertain Significance.